The following is an entry in ClinVar:

ClinVar aggregate classification (germline): Uncertain significance (1 of 4 stars; one submission).

Conditions:
MEGF10-related myopathy (CMYO10A). Also called: Congenital myopathy 10A, severe variant. Identifiers: Orphanet 439212, MedGen C3280679, MONDO:0013731, OMIM 614399.

Allele frequency attached by ClinVar (database versions not stated): gnomAD exomes below 0.00001 and 0.00001; ExAC 0.00001; TOPMed 0.00001.
gnomAD v4.1: 10 of 1,614,188 alleles (0.00062%); highest among the groups gnomAD compares: South Asian, 0.0011%; no homozygotes.

Submission:

Labcorp Genetics (formerly Invitae), Labcorp
Classification: Uncertain significance for Myopathy, areflexia, respiratory distress, and dysphagia, early-onset. Last evaluated: 2019-08-06. Review status: criteria provided, single submitter. Criteria: Invitae Variant Classification Sherloc (09022015). Collection method: clinical testing. Allele origin: germline.
Comment: This sequence change replaces glycine with arginine at codon 512 of the MEGF10 protein (p.Gly512Arg). The glycine residue is highly conserved and there is a moderate physicochemical difference between glycine and arginine. This variant is present in population databases (rs758236594, ExAC 0.002%). This variant has not been reported in the literature in individuals with MEGF10-related conditions. Algorithms developed to predict the effect of missense changes on protein structure and function (SIFT, PolyPhen-2, Align-GVGD) all suggest that this variant is likely to be disruptive, but these predictions have not been confirmed by published functional studies and their clinical significance is uncertain. Algorithms developed to predict the effect of sequence changes on RNA splicing suggest that this variant may create or strengthen a splice site, but this prediction has not been confirmed by published transcriptional studies. In summary, the available evidence is currently insufficient to determine the role of this variant in disease. Therefore, it has been classified as a Variant of Uncertain Significance.

NM_001256545.2(MEGF10):c.1534G>A (p.Gly512Arg)

Gene: MEGF10 (multiple EGF like domains 10; plus strand). Cytogenetic location: 5q23.2.
Variant type: single nucleotide variant.
Coding change: c.1534G>A on transcript NM_001256545.2 (MANE Select); coding-DNA position 1534, G replaced by A.
Protein change: p.Gly512Arg; replaces glycine 512 with arginine.
Molecular consequence: missense variant.
Genome position (GRCh38, 1-based): chr5:127,420,151, G>A. VCF-style: chr5-127420151-G-A. GRCh37 (hg19) VCF-style: chr5-126755843-G-A.
Other names: c.1534G>A, p.Gly512Arg (NM_001308119.2, NM_001308121.2, NM_032446.3); short protein forms G512R.
Identifiers: ClinVar variation 962160 (VCV000962160.1), dbSNP rs758236594, ClinGen allele CA3391602.